The following is an entry in ClinVar:

NM_004937.3(CTNS):c.-230+11A>G

Gene: CTNS (cystinosin, lysosomal cystine transporter; plus strand). Cytogenetic location: 17p13.2.
Variant type: single nucleotide variant.
Coding change: c.-230+11A>G on transcript NM_004937.3 (MANE Select); 11 bases into the intron after 230 bases upstream of the start codon, A replaced by G.
Molecular consequence: intron variant.
Genome position (GRCh38, 1-based): chr17:3,636,842, A>G. VCF-style: chr17-3636842-A-G. GRCh37 (hg19) VCF-style: chr17-3540136-A-G.
Other names: c.-230+134A>G (NM_001031681.3); c.-230+11A>G (NM_001374492.1); c.-586+11A>G (NM_001374493.1); c.-507+11A>G (NM_001374495.1); c.-591+11A>G (NM_001374494.1); c.-506+11A>G (NM_001374496.1).
Identifiers: ClinVar variation 322825 (VCV000322825.5), dbSNP rs116000219, ClinGen allele CA10649094.

ClinVar aggregate classification (germline): Benign. Review status: criteria provided, single submitter (1 of 4 stars). 2 submissions from 1 submitter: Benign (2). Last evaluated 2018-01-13.

Conditions:
Ocular cystinosis. Also called: Non-Nephropathic (Ocular) Cystinosis; Non-Nephropathic Cystinosis. Identifiers: Orphanet 213, Orphanet 411641, MedGen C2931013, MONDO:0009064, OMIM 219750.
Nephropathic cystinosis (CTNS). Also called: CYSTINOSIN, DEFECT OF; LYSOSOMAL CYSTINE TRANSPORT PROTEIN, DEFECT OF; Abderhalden Lignac Kaufmann disease; Abderhalden-Kaufmann-Lignac syndrome. Identifiers: Orphanet 213, Orphanet 411629, MedGen C2931187, MONDO:0100151, OMIM 219800.

Allele frequency attached by ClinVar (database versions not stated): gnomAD exomes 0.01754; gnomAD 0.03180 and 0.03310; TOPMed 0.03465; 1000 Genomes Project 0.03814; 1000 Genomes Project 30x 0.03919.
gnomAD v4.1: 4,802 of 152,404 alleles (3.2%); highest among the groups gnomAD compares: African/African-American, 10%; 247 homozygotes.

Submissions (2):

Illumina Laboratory Services, Illumina
Classification: Benign for Ocular cystinosis. Last evaluated: 2018-01-13. Review status: criteria provided, single submitter. Criteria: ICSL Variant Classification Criteria 13 December 2019. Collection method: clinical testing. Allele origin: germline.
Comment: This variant was observed in the ICSL laboratory as part of a predisposition screen in an ostensibly healthy population. It had not been previously curated by ICSL or reported in the Human Gene Mutation Database (HGMD: prior to June 1st, 2018), and was therefore a candidate for classification through an automated scoring system. Utilizing variant allele frequency, disease prevalence and penetrance estimates, and inheritance mode, an automated score was calculated to assess if this variant is too frequent to cause the disease. Based on the score and internal cut-off values, a variant classified as benign is not then subjected to further curation. The score for this variant resulted in a classification of benign for this disease.

Illumina Laboratory Services, Illumina
Classification: Benign for Nephropathic cystinosis. Last evaluated: 2018-01-13. Review status: criteria provided, single submitter. Criteria: ICSL Variant Classification Criteria 13 December 2019. Collection method: clinical testing. Allele origin: germline.
Comment: the same text as in the submission from Illumina Laboratory Services, Illumina above.